The following is an entry in ClinVar:

NM_015378.4(VPS13D):c.380A>T (p.Gln127Leu)

Gene: VPS13D (vacuolar protein sorting 13 homolog D; plus strand). Cytogenetic location: 1p36.22.
Variant type: single nucleotide variant.
Coding change: c.380A>T on transcript NM_015378.4 (MANE Select); coding-DNA position 380, A replaced by T.
Protein change: p.Gln127Leu; replaces glutamine 127 with leucine.
Molecular consequence: missense variant.
Genome position (GRCh38, 1-based): chr1:12,244,550, A>T. VCF-style: chr1-12244550-A-T. GRCh37 (hg19) VCF-style: chr1-12304607-A-T.
Other names: c.380A>T (NM_015378.3); c.380A>T, p.Gln127Leu (NM_018156.4); short protein forms Q127L.
Identifiers: ClinVar variation 3719165 (VCV003719165.3).

ClinVar aggregate classification (germline): Uncertain significance. Review status: criteria provided, multiple submitters, no conflicts (2 of 4 stars). 2 submissions from 2 submitters: Uncertain significance (2). Last evaluated 2024-12-19.

gnomAD v4.1: 6 of 1,614,248 alleles (0.00037%); highest among the groups gnomAD compares: South Asian, 0.0022%; no homozygotes.

Submissions (2):

GeneDx
Classification: Uncertain significance. Last evaluated: 2024-12-19. Review status: criteria provided, single submitter. Criteria: GeneDx Variant Classification Process June 2021. Collection method: clinical testing. Allele origin: germline. Affected: yes.
Comment: In silico analysis indicates that this missense variant does not alter protein structure/function; Has not been previously published as pathogenic or benign to our knowledge

Labcorp Genetics (formerly Invitae), Labcorp
Classification: Uncertain significance. Last evaluated: 2024-08-30. Review status: criteria provided, single submitter. Criteria: Invitae Variant Classification Sherloc (09022015). Collection method: clinical testing. Allele origin: germline.
Comment: This sequence change replaces glutamine, which is neutral and polar, with leucine, which is neutral and non-polar, at codon 127 of the VPS13D protein (p.Gln127Leu). This variant is present in population databases (rs777699317, gnomAD 0.006%). This variant has not been reported in the literature in individuals affected with VPS13D-related conditions. Invitae Evidence Modeling of protein sequence and biophysical properties (such as structural, functional, and spatial information, amino acid conservation, physicochemical variation, residue mobility, and thermodynamic stability) has been performed for this missense variant. However, the output from this modeling did not meet the statistical confidence thresholds required to predict the impact of this variant on VPS13D protein function. In summary, the available evidence is currently insufficient to determine the role of this variant in disease. Therefore, it has been classified as a Variant of Uncertain Significance.